The following is an entry in ClinVar:

ClinVar aggregate classification (germline): Likely pathogenic (1 of 4 stars; one submission).

Conditions:
LAMA2-related muscular dystrophy (LAMA2-RD). Also called: Laminin alpha 2-related dystrophy. Identifiers: MedGen C5679788, MONDO:0100228.

Submission:

Labcorp Genetics (formerly Invitae), Labcorp
Classification: Likely pathogenic for LAMA2-related muscular dystrophy. Last evaluated: 2023-06-11. Review status: criteria provided, single submitter. Criteria: Invitae Variant Classification Sherloc (09022015). Collection method: clinical testing. Allele origin: germline.
Comment: This variant is not present in population databases (gnomAD no frequency). In summary, the currently available evidence indicates that the variant is pathogenic, but additional data are needed to prove that conclusively. Therefore, this variant has been classified as Likely Pathogenic. Algorithms developed to predict the effect of sequence changes on RNA splicing suggest that this variant may disrupt the consensus splice site. ClinVar contains an entry for this variant (Variation ID: 1923268). This variant has not been reported in the literature in individuals affected with LAMA2-related conditions. This sequence change affects a donor splice site in intron 16 of the LAMA2 gene. It is expected to disrupt RNA splicing. Variants that disrupt the donor or acceptor splice site typically lead to a loss of protein function (PMID: 16199547), and loss-of-function variants in LAMA2 are known to be pathogenic (PMID: 18700894, 32904964).

Literature cited by the submitters: PubMed 16199547; PubMed 18700894; PubMed 32904964.

NM_000426.4(LAMA2):c.2322+1G>A

Gene: LAMA2 (laminin subunit alpha 2; plus strand). Cytogenetic location: 6q22.33.
Variant type: single nucleotide variant.
Coding change: c.2322+1G>A on transcript NM_000426.4 (MANE Select); the canonical splice donor site of the intron after coding-DNA position 2322, G replaced by A.
Molecular consequence: splice donor variant.
Genome position (GRCh38, 1-based): chr6:129,267,220, G>A. VCF-style: chr6-129267220-G-A. GRCh37 (hg19) VCF-style: chr6-129588365-G-A.
Other names: c.2322+1G>A (NM_001079823.2).
Identifiers: ClinVar variation 1923268 (VCV001923268.5), dbSNP rs945091158, ClinGen allele CA365608965.